The following is an entry in ClinVar:

NM_005559.4(LAMA1):c.8556+1G>A

Gene: LAMA1 (laminin subunit alpha 1; minus strand). Cytogenetic location: 18p11.31.
Variant type: single nucleotide variant.
Coding change: c.8556+1G>A on transcript NM_005559.4 (MANE Select); the canonical splice donor site of the intron after coding-DNA position 8556, G replaced by A.
Molecular consequence: splice donor variant.
Genome position (GRCh38, 1-based): chr18:6,949,100, C>T on the plus strand (G>A on the coding strand, the complement: LAMA1 is on the minus strand). VCF-style: chr18-6949100-C-T. GRCh37 (hg19) VCF-style: chr18-6949099-C-T.
Other names: NC_000018.9:g.6949099C>T.
Identifiers: ClinVar variation 983560 (VCV000983560.9), dbSNP rs764745270, ClinGen allele CA8880450.

ClinVar aggregate classification (germline): Pathogenic/Likely pathogenic. Review status: criteria provided, multiple submitters, no conflicts (2 of 4 stars). 5 submissions from 5 submitters: Pathogenic (3); Likely pathogenic (2). Last evaluated 2025-09-16.

Conditions:
LAMA1-related disorder. Also called: LAMA1-related disorders; LAMA1-related condition.
Ataxia - intellectual disability - oculomotor apraxia - cerebellar cysts syndrome. Also called: Poretti-Boltshauser syndrome. Identifiers: Orphanet 370022, MedGen C4014821, MONDO:0014419, OMIM 615960.

Allele frequency attached by ClinVar (database versions not stated): gnomAD exomes below 0.00001 and 0.00001; ExAC 0.00001; gnomAD 0.00001 and 0.00011; TOPMed 0.00014.
gnomAD v4.1: 23 of 1,614,018 alleles (0.0014%); highest among the groups gnomAD compares: East Asian, 0.0045%; no homozygotes.

Submissions (6):

Labcorp Genetics (formerly Invitae), Labcorp
Classification: Pathogenic. Last evaluated: 2025-09-16. Review status: criteria provided, single submitter. Criteria: Invitae Variant Classification Sherloc (09022015). Collection method: clinical testing. Allele origin: germline.
Comment: This sequence change affects a donor splice site in intron 59 of the LAMA1 gene. It is expected to disrupt RNA splicing. Variants that disrupt the donor or acceptor splice site typically lead to a loss of protein function (PMID: 16199547), and loss-of-function variants in LAMA1 are known to be pathogenic (PMID: 25105227, 26932191). This variant is present in population databases (rs764745270, gnomAD 0.002%). Disruption of this splice site has been observed in individuals with Poretti-Boltshauser syndrome (PMID: 26932191, 28726809). ClinVar contains an entry for this variant (Variation ID: 983560). Algorithms developed to predict the effect of sequence changes on RNA splicing suggest that this variant may disrupt the consensus splice site. For these reasons, this variant has been classified as Pathogenic.

GeneDx
Classification: Likely pathogenic. Last evaluated: 2025-08-14. Review status: criteria provided, single submitter. Criteria: GeneDx Variant Classification Process June 2021. Collection method: clinical testing. Allele origin: germline.
Comment: Canonical splice site variant predicted to result in an in-frame loss of the adjacent exon in a gene for which loss of function is a known mechanism of disease; Not observed at significant frequency in large population cohorts (gnomAD); This variant is associated with the following publications: (PMID: 31028937, 28726809, 31964843, 26932191)

Blueprint Genetics
Classification: Pathogenic for LAMA1-related disorders. Last evaluated: 2024-10-21. Review status: criteria provided, single submitter. Criteria: ACMG Guidelines, 2015. Collection method: clinical testing. Allele origin: germline. Affected: yes. Observed: 2 variant alleles.

Fulgent Genetics
Classification: Likely pathogenic for Ataxia - intellectual disability - oculomotor apraxia - cerebellar cysts syndrome. Last evaluated: 2023-12-29. Review status: criteria provided, single submitter. Criteria: ACMG Guidelines, 2015. Collection method: clinical testing. Allele origin: germline.

Institute for Genomic Statistics and Bioinformatics, University Hospital Bonn
Classification: Pathogenic for Ataxia - intellectual disability - oculomotor apraxia - cerebellar cysts syndrome. Review status: criteria provided, single submitter. Criteria: ACMG Guidelines, 2015. Collection method: clinical testing. Allele origin: paternal. Inheritance: Autosomal recessive inheritance. Affected: yes. Observed: 1 compound heterozygote.
Comment: GRCh37:Chr18:6949099C>T; rs764745270 LAMA1 NM_005559.4:c.8556+1G>A and GRCh37:Chr18:6950964CGAGAGC>A LAMA1 NM_005559.4:c.8208_8214delGCTCTCGinsT; The variant in Intron 59 leads to the loss of the 5' Donor splice and probably to skip of the 159bp (53 amino acids) long exon 59. Bioinformatic prediction programs like Mutation Probe and GERP classify this variant as pathogenic one. According to ACMG guidelines c.8556+1G>A is used in LAMA1 also classified as pathogenic. Classification according to ACMG guidelines from c.8556+1G>A to LAMA1: pathogenic - PVS1: zero variant (intronically within the splice site) in the gene LAMA1, for the loss of function is a known disease mechanism, in association with the Poretti-Boltshauser syndrome - PM2: The variant has been rarely described in population genetic studies (such as GnomAD, Iranome, GME, 1kGP, etc.) and not observed in the homozygous state. - PP3: Bioinformatic prediction programs such as GERP and Mutation Scanner classify this variant as pathogenic.

Dr. Peter K. Rogan Lab, Western University
No classification provided (evidence only). Condition: Lung cancer. Review status: no classification provided. Collection method: in vitro. Allele origin: not applicable. Functional consequence: skipped exon, retained intron. Not counted in ClinVar's aggregate classification.

Literature cited by the submitters: PubMed 16199547 (cited by Labcorp Genetics (formerly Invitae), Labcorp); PubMed 25105227 (cited by Labcorp Genetics (formerly Invitae), Labcorp); PubMed 26932191 (cited by Labcorp Genetics (formerly Invitae), Labcorp); PubMed 28726809 (cited by Labcorp Genetics (formerly Invitae), Labcorp).